The following continues an entry in ClinVar:

NM_000322.5(PRPH2):c.514C>T (p.Arg172Trp)

Gene: PRPH2. ClinVar aggregate classification (germline): Pathogenic/Likely pathogenic. Pathogenic (16); Likely pathogenic (2).

Submissions 13 to 24 of 24:

NEI Ophthalmic Genomics Laboratory, National Institutes of Health
Classification: Pathogenic for Patterned dystrophy of the retinal pigment epithelium. Last evaluated: 2020-01-07. Review status: criteria provided, single submitter. Criteria: ACMG Guidelines, 2015. Collection method: clinical testing. Allele origin: germline. Affected: yes.
Comment: The variant NM_000322.4:c.514C>T in the PRPH2 gene has been previously studied(Nichols (1993) Invest Ophthalmol Vis Sci 34 1149). We found this variant in 13 patient(s) in a PRPH2 cohort study (Reeves et al. 2020). This variant is listed in dbSNP and/or HGMD (rs61755792,CM930639). It is absent in gnomAD browser. It is enriched in the PRPH2 disease cohort. We invoked ACMG criteria [PS4, PP1-S, PM1, PM2, PP3, PP5] and classified NM_000322.4:c.514C>T in the PRPH2 gene as a Pathogenic mutation.

NEI Ophthalmic Genomics Laboratory, National Institutes of Health
Classification: Pathogenic for Cone-rod dystrophy. Last evaluated: 2020-01-07. Review status: criteria provided, single submitter. Criteria: ACMG Guidelines, 2015. Collection method: clinical testing. Allele origin: germline. Affected: yes.
Comment: The variant NM_000322.4:c.514C>T in the PRPH2 gene has been previously studied(Nichols (1993) Invest Ophthalmol Vis Sci 34 1149). We found this variant in 13 patient(s) in a PRPH2 cohort study (Reeves et al. 2020). This variant is listed in dbSNP and/or HGMD (rs61755792,CM930639). It is absent in gnomAD browser. It is enriched in the PRPH2 disease cohort. We invoked ACMG criteria [PS4, PP1-S, PM1, PM2, PP3, PP5] and classified NM_000322.4:c.514C>T in the PRPH2 gene as a Pathogenic mutation.

NEI Ophthalmic Genomics Laboratory, National Institutes of Health
Classification: Pathogenic for Vitelliform macular dystrophy 2. Last evaluated: 2020-01-07. Review status: criteria provided, single submitter. Criteria: ACMG Guidelines, 2015. Collection method: clinical testing. Allele origin: germline. Affected: yes.
Comment: The variant NM_000322.4:c.514C>T in the PRPH2 gene has been previously studied(Nichols (1993) Invest Ophthalmol Vis Sci 34 1149). We found this variant in 13 patient(s) in a PRPH2 cohort study (Reeves et al. 2020). This variant is listed in dbSNP and/or HGMD (rs61755792,CM930639). It is absent in gnomAD browser. It is enriched in the PRPH2 disease cohort. We invoked ACMG criteria [PS4, PP1-S, PM1, PM2, PP3, PP5] and classified NM_000322.4:c.514C>T in the PRPH2 gene as a Pathogenic mutation.

NEI Ophthalmic Genomics Laboratory, National Institutes of Health
Classification: Pathogenic for Stargardt disease. Last evaluated: 2020-01-07. Review status: criteria provided, single submitter. Criteria: ACMG Guidelines, 2015. Collection method: clinical testing. Allele origin: germline. Affected: yes.
Comment: The variant NM_000322.4:c.514C>T in the PRPH2 gene has been previously studied(Nichols (1993) Invest Ophthalmol Vis Sci 34 1149). We found this variant in 13 patient(s) in a PRPH2 cohort study (Reeves et al. 2020). This variant is listed in dbSNP and/or HGMD (rs61755792,CM930639). It is absent in gnomAD browser. It is enriched in the PRPH2 disease cohort. We invoked ACMG criteria [PS4, PP1-S, PM1, PM2, PP3, PP5] and classified NM_000322.4:c.514C>T in the PRPH2 gene as a Pathogenic mutation.

CeGaT Center for Human Genetics Tuebingen
Classification: Pathogenic. Last evaluated: 2018-12-01. Review status: criteria provided, single submitter. Criteria: CeGaT Center For Human Genetics Tuebingen Variant Classification Criteria Version 2. Collection method: clinical testing. Allele origin: germline. Affected: yes. Observed: 2 variant alleles.

Institute of Human Genetics, Univ. Regensburg, Univ. Regensburg
Classification: Pathogenic for Retinal dystrophy. Last evaluated: 2018-01-01. Review status: criteria provided, single submitter. Criteria: ACMG Guidelines, 2015. Collection method: clinical testing. Allele origin: germline. Affected: yes.

Leiden Open Variation Database
Classification: Pathogenic. Last evaluated: 2021-04-27. Review status: no assertion criteria provided. Collection method: curation. Allele origin: germline. Affected: yes. Not counted in ClinVar's aggregate classification.
Comment: Curator: Global Variome, with Curator vacancy. Submitters to LOVD: Global Variome, with Curator vacancy, IMGAG, Julia Lopez, LOVD, Manon Peeters, Yoshito Koyanagi.

Sharon lab, Hadassah-Hebrew University Medical Center
Classification: Likely pathogenic for Maculopathy. Last evaluated: 2019-06-23. Review status: no assertion criteria provided. Collection method: research. Allele origin: inherited. Affected: yes. Not counted in ClinVar's aggregate classification.

OMIM
Classification: Pathogenic for CHOROIDAL DYSTROPHY, CENTRAL AREOLAR, 2. Last evaluated: 1998-01-01. Review status: no assertion criteria provided. Collection method: literature only. Allele origin: germline. Not counted in ClinVar's aggregate classification.

Clinical Genetics, Academic Medical Center
Classification: Pathogenic. Review status: no assertion criteria provided. Collection method: clinical testing. Allele origin: germline. Affected: yes. Study: VKGL Data-share Consensus. Not counted in ClinVar's aggregate classification.

Joint Genome Diagnostic Labs from Nijmegen and Maastricht, Radboudumc and MUMC+
Classification: Pathogenic. Review status: no assertion criteria provided. Collection method: clinical testing. Allele origin: germline. Affected: yes. Study: VKGL Data-share Consensus. Not counted in ClinVar's aggregate classification.

Retina International
No classification provided. Review status: no classification provided. Collection method: not provided. Allele origin: not provided. Not counted in ClinVar's aggregate classification.

Literature cited by the submitters: PubMed 8485576 (cited by 5 submitters); PubMed 8747448 (cited by 4 submitters); PubMed 24463884 (cited by 4 submitters); PubMed 15254014 (cited by SingHealth Duke-NUS Institute of Precision Medicine and Institute of Human Genetics, Univ. Regensburg, Univ. Regensburg); PubMed 20335603 (cited by SingHealth Duke-NUS Institute of Precision Medicine and Institute of Human Genetics, Univ. Regensburg, Univ. Regensburg); PubMed 9443872 (cited by 3 submitters); PubMed 9810570 (cited by Institute of Human Genetics, Univ. Regensburg, Univ. Regensburg); PubMed 10800708 (cited by Institute of Human Genetics, Univ. Regensburg, Univ. Regensburg); PubMed 18055786 (cited by Institute of Human Genetics, Univ. Regensburg, Univ. Regensburg); PubMed 19279306 (cited by Institute of Human Genetics, Univ. Regensburg, Univ. Regensburg); PubMed 21405999 (cited by Institute of Human Genetics, Univ. Regensburg, Univ. Regensburg); PubMed 22183351 (cited by Institute of Human Genetics, Univ. Regensburg, Univ. Regensburg); PubMed 26667666 (cited by Institute of Human Genetics, Univ. Regensburg, Univ. Regensburg and Leiden Open Variation Database); PubMed 28838317 (cited by Institute of Human Genetics, Univ. Regensburg, Univ. Regensburg and Leiden Open Variation Database); PubMed 29555955 (cited by Institute of Human Genetics, Univ. Regensburg, Univ. Regensburg and Leiden Open Variation Database); PubMed 29343940 (cited by Institute of Human Genetics, Univ. Regensburg, Univ. Regensburg and Leiden Open Variation Database); PubMed 31213501 (cited by Institute of Human Genetics, Univ. Regensburg, Univ. Regensburg and Leiden Open Variation Database); PubMed 32531846 (cited by Institute of Human Genetics, Univ. Regensburg, Univ. Regensburg and Leiden Open Variation Database); PubMed 32036094 (cited by Institute of Human Genetics, Univ. Regensburg, Univ. Regensburg); PubMed 31456290 (cited by Institute of Human Genetics, Univ. Regensburg, Univ. Regensburg and Leiden Open Variation Database); PubMed 32531858 (cited by Institute of Human Genetics, Univ. Regensburg, Univ. Regensburg); PubMed 33691693 (cited by Institute of Human Genetics, Univ. Regensburg, Univ. Regensburg); PubMed 34828423 (cited by Institute of Human Genetics, Univ. Regensburg, Univ. Regensburg); PubMed 34411390 (cited by Institute of Human Genetics, Univ. Regensburg, Univ. Regensburg); PubMed 35260635 (cited by Institute of Human Genetics, Univ. Regensburg, Univ. Regensburg); PubMed 36460718 (cited by Institute of Human Genetics, Univ. Regensburg, Univ. Regensburg); PubMed 36284460 (cited by Institute of Human Genetics, Univ. Regensburg, Univ. Regensburg); PubMed 36819107 (cited by Institute of Human Genetics, Univ. Regensburg, Univ. Regensburg); PubMed 37047703 (cited by Institute of Human Genetics, Univ. Regensburg, Univ. Regensburg); PubMed 7493155 (cited by Leiden Open Variation Database and OMIM); PubMed 8302543 (cited by Leiden Open Variation Database and OMIM); PubMed 8994365 (cited by Leiden Open Variation Database); PubMed 9279751 (cited by Leiden Open Variation Database); PubMed 10193525 (cited by Leiden Open Variation Database); PubMed 10532447 (cited by Leiden Open Variation Database); PubMed 11139241 (cited by Leiden Open Variation Database); PubMed 16019073 (cited by Leiden Open Variation Database); PubMed 17653047 (cited by Leiden Open Variation Database); PubMed 19038374 (cited by Leiden Open Variation Database); PubMed 19262438 (cited by Leiden Open Variation Database); PubMed 20640437 (cited by Leiden Open Variation Database); PubMed 21071739 (cited by Leiden Open Variation Database); PubMed 22863181 (cited by Leiden Open Variation Database); PubMed 24608669 (cited by Leiden Open Variation Database); PubMed 25082885 (cited by Leiden Open Variation Database); PubMed 25803555 (cited by Leiden Open Variation Database); PubMed 26103963 (cited by Leiden Open Variation Database); PubMed 31574917 (cited by Leiden Open Variation Database); PubMed 9010868 (cited by OMIM); PubMed 8015786 (cited by OMIM).